The following is an entry in ClinVar:

ClinVar aggregate classification (germline): Uncertain significance. Review status: criteria provided, multiple submitters, no conflicts (2 of 4 stars). 2 submissions from 2 submitters: Uncertain significance (2). Last evaluated 2023-04-06.

Allele frequency attached by ClinVar (database versions not stated): gnomAD exomes below 0.00001.
gnomAD v4.1: 2 of 1,606,080 alleles (0.00012%); highest among the groups gnomAD compares: Non-Finnish European, 0.00017%; no homozygotes.

Submissions (2):

Labcorp Genetics (formerly Invitae), Labcorp
Classification: Uncertain significance. Last evaluated: 2023-04-06. Review status: criteria provided, single submitter. Criteria: Invitae Variant Classification Sherloc (09022015). Collection method: clinical testing. Allele origin: germline.
Comment: This sequence change replaces isoleucine, which is neutral and non-polar, with valine, which is neutral and non-polar, at codon 416 of the COL11A1 protein (p.Ile416Val). This variant is not present in population databases (gnomAD no frequency). This variant has not been reported in the literature in individuals affected with COL11A1-related conditions. ClinVar contains an entry for this variant (Variation ID: 1309283). Algorithms developed to predict the effect of missense changes on protein structure and function output the following: SIFT: "Not Available"; PolyPhen-2: "Benign"; Align-GVGD: "Not Available". The valine amino acid residue is found in multiple mammalian species, which suggests that this missense change does not adversely affect protein function. In summary, the available evidence is currently insufficient to determine the role of this variant in disease. Therefore, it has been classified as a Variant of Uncertain Significance.

GeneDx
Classification: Uncertain significance. Last evaluated: 2019-10-28. Review status: criteria provided, single submitter. Criteria: GeneDx Variant Classification Process June 2021. Collection method: clinical testing. Allele origin: germline. Affected: yes.
Comment: Not observed in large population cohorts (Lek et al., 2016); In silico analysis, which includes protein predictors and evolutionary conservation, supports that this variant does not alter protein structure/function; Has not been previously published as pathogenic or benign to our knowledge

NM_001854.4(COL11A1):c.1246A>G (p.Ile416Val)

Gene: COL11A1 (collagen type XI alpha 1 chain; minus strand). Cytogenetic location: 1p21.1.
Variant type: single nucleotide variant.
Coding change: c.1246A>G on transcript NM_001854.4 (MANE Select); coding-DNA position 1246, A replaced by G.
Protein change: p.Ile416Val; replaces isoleucine 416 with valine.
Molecular consequence: missense variant. On other transcripts: non-coding transcript variant (1).
Genome position (GRCh38, 1-based): chr1:103,021,769, T>C on the plus strand (A>G on the coding strand, the complement: COL11A1 is on the minus strand). VCF-style: chr1-103021769-T-C. GRCh37 (hg19) VCF-style: chr1-103487325-T-C.
Other names: c.1129A>G, p.Ile377Val (NM_001190709.2); c.1282A>G, p.Ile428Val (NM_080629.3); c.898A>G, p.Ile300Val (NM_080630.4); short protein forms I300V, I377V, I416V, I428V.
Identifiers: ClinVar variation 1309283 (VCV001309283.5), dbSNP rs1667095674, ClinGen allele CA341181754.